The following is an entry in ClinVar:

NM_001197104.2(KMT2A):c.4678G>A (p.Ala1560Thr)

Gene: KMT2A (lysine methyltransferase 2A; plus strand). Cytogenetic location: 11q23.3.
Variant type: single nucleotide variant.
Coding change: c.4678G>A on transcript NM_001197104.2 (MANE Select); coding-DNA position 4678, G replaced by A.
Protein change: p.Ala1560Thr; replaces alanine 1560 with threonine.
Molecular consequence: missense variant.
Genome position (GRCh38, 1-based): chr11:118,490,231, G>A. VCF-style: chr11-118490231-G-A. GRCh37 (hg19) VCF-style: chr11-118360946-G-A.
Other names: c.4777G>A, p.Ala1593Thr (NM_001412597.1); c.4678G>A, p.Ala1560Thr (NM_005933.4); short protein forms A1560T, A1593T.
Identifiers: ClinVar variation 2979314 (VCV002979314.5), dbSNP rs1388016179, ClinGen allele CA382834179.
Genomic context (GRCh38, chr11:118,490,231, plus strand): 5'-ACTCCAGGCAAAGGGTGGGATGCACAGTGGTCTCATGATTTCTCACTGTGTCATGATTGC[G>A]CCAAGCTCTTTGCTAAAGGTACCCAAAAAAGCCAGTTTTGCCAGCTTTCGGAGGTTGTAC-3'
Protein context (NP_001184033.1, residues 1550-1570): SHDFSLCHDC[Ala1560Thr]KLFAKGNFCP

ClinVar aggregate classification (germline): Conflicting classifications of pathogenicity. Review status: criteria provided, conflicting classifications (1 of 4 stars). 3 submissions from 3 submitters: Uncertain significance (1); Likely benign (1). 1 of the submissions does not count toward it. Last evaluated 2025-08-03.

Conditions:
KMT2A-related disorder. Also called: KMT2A-related condition.
Wiedemann-Steiner syndrome (WDSTS). Also called: Growth deficiency and mental retardation with facial dysmorphism. Identifiers: Orphanet 319182, MedGen C1854630, MONDO:0011518, OMIM 605130.

Allele frequency attached by ClinVar (database versions not stated): TOPMed below 0.00001; gnomAD 0.00001; gnomAD exomes 0.00001.
gnomAD v4.1: 14 of 1,566,802 alleles (0.00089%); highest among the groups gnomAD compares: East Asian, 0.0068%; no homozygotes.

Submissions (3):

Labcorp Genetics (formerly Invitae), Labcorp
Classification: Uncertain significance. Last evaluated: 2025-08-03. Review status: criteria provided, single submitter. Criteria: Invitae Variant Classification Sherloc (09022015). Collection method: clinical testing. Allele origin: germline.
Comment: This sequence change replaces alanine, which is neutral and non-polar, with threonine, which is neutral and polar, at codon 1560 of the KMT2A protein (p.Ala1560Thr). This variant is not present in population databases (gnomAD no frequency). This variant has not been reported in the literature in individuals affected with KMT2A-related conditions. ClinVar contains an entry for this variant (Variation ID: 2979314). Invitae Evidence Modeling of protein sequence and biophysical properties (such as structural, functional, and spatial information, amino acid conservation, physicochemical variation, residue mobility, and thermodynamic stability) has been performed for this missense variant. However, the output from this modeling did not meet the statistical confidence thresholds required to predict the impact of this variant on KMT2A protein function. In summary, the available evidence is currently insufficient to determine the role of this variant in disease. Therefore, it has been classified as a Variant of Uncertain Significance.

Victorian Clinical Genetics Services, Murdoch Childrens Research Institute
Classification: Likely benign for Wiedemann-Steiner syndrome. Last evaluated: 2024-10-09. Review status: criteria provided, single submitter. Criteria: ACMG Guidelines, 2015. Collection method: clinical testing. Allele origin: germline. Inheritance: Autosomal dominant inheritance. Affected: yes.
Comment: Based on the classification scheme VCGS_Germline_v1.3.4, this variant is classified as Likely benign. Following criteria are met: 0102 - Loss of function is a known mechanism of disease in this gene and is associated with Wiedemann-Steiner Syndrome (MIM#605130). (I) 0107 - This gene is associated with autosomal dominant disease. (I) 0200 - Variant is predicted to result in a missense amino acid change from alanine to threonine. (I) 0251 - This variant is heterozygous. (I) 0302 - Variant is present in gnomAD (v4) <0.001 for a dominant condition (14 heterozygotes, 0 homozygotes). (I) 0502 - Missense variant with conflicting in silico predictions and uninformative conservation. (I) 0603 - Missense variant in a region that is highly intolerant to missense variation (high constraint region in DECIPHER). (SP) 0710 - Another missense variant comparable to the one identified in this case has inconclusive previous evidence for pathogenicity. p.(Ala1560Val) has been classified as a VUS on ClinVar. (I) 0809 - Previous evidence of pathogenicity for this variant is inconclusive. This variant has been classified as a VUS in ClinVar. (I) 0905 - No published segregation evidence has been identified for this variant. (I) 1007 - No published functional evidence has been identified for this variant. (I) 1208 - Inheritance information for this variant is not currently available in this individual. (I) Legend: (SP) - Supporting pathogenic, (I) - Information, (SB) - Supporting benign

PreventionGenetics, part of Exact Sciences
Classification: Uncertain significance for KMT2A-related condition. Last evaluated: 2024-08-17. Review status: no assertion criteria provided. Collection method: clinical testing. Allele origin: germline. Not counted in ClinVar's aggregate classification.
Comment: The KMT2A c.4678G>A variant is predicted to result in the amino acid substitution p.Ala1560Thr. To our knowledge, this variant has not been reported in the literature or in a large population database, indicating this variant is rare. At this time, the clinical significance of this variant is uncertain due to the absence of conclusive functional and genetic evidence.